The following is an entry in ClinVar:

NM_004525.3(LRP2):c.12011C>T (p.Ser4004Phe)

Gene: LRP2 (LDL receptor related protein 2; minus strand). Cytogenetic location: 2q31.1.
Variant type: single nucleotide variant.
Coding change: c.12011C>T on transcript NM_004525.3 (MANE Select); coding-DNA position 12011, C replaced by T.
Protein change: p.Ser4004Phe; replaces serine 4004 with phenylalanine.
Molecular consequence: missense variant.
Genome position (GRCh38, 1-based): chr2:169,157,379, G>A on the plus strand (C>T on the coding strand, the complement: LRP2 is on the minus strand). VCF-style: chr2-169157379-G-A. GRCh37 (hg19) VCF-style: chr2-170013889-G-A.
Other names: c.12011C>T (NM_004525.2); short protein forms S4004F.
Identifiers: ClinVar variation 1424398 (VCV001424398.7), dbSNP rs367961184, ClinGen allele CA1952907.
Genomic context (GRCh38, chr2:169,157,379, plus strand): 5'-AACCTTAGATGTAAAGTTCACCTAAACAGGAATTGGAAAAAATATACTCTACCTAGACAG[G>A]AGGTTCTGTCAAAAACATTGGTTTCGAACCCAGCTGTACAGGAGCAGATAAATCCTCCTT-3'
Protein context (NP_004516.2, residues 3994-4014): GFETNVFDRT[Ser4004Phe]CLDINECEQF

ClinVar aggregate classification (germline): Uncertain significance. Review status: criteria provided, multiple submitters, no conflicts (2 of 4 stars). 3 submissions from 3 submitters: Uncertain significance (3). Last evaluated 2025-09-26.

Conditions:
Donnai-Barrow syndrome. Also called: FACIOOCULOACOUSTICORENAL SYNDROME; DBS/FOAR SYNDROME. Identifiers: Orphanet 2143, MedGen C1857277, MONDO:0009104, OMIM 222448.
Inborn genetic diseases. Identifiers: MedGen C0950123, MeSH D030342.

Allele frequency attached by ClinVar (database versions not stated): gnomAD exomes 0.00001; TOPMed 0.00001; ExAC 0.00002; ESP Exome Variant Server 0.00008.
gnomAD v4.1: 59 of 1,613,208 alleles (0.0037%); highest among the groups gnomAD compares: Non-Finnish European, 0.0047%; no homozygotes.

Submissions (3):

Ambry Genetics
Classification: Uncertain significance for Inborn genetic diseases. Last evaluated: 2025-09-26. Review status: criteria provided, single submitter. Criteria: Ambry Variant Classification Scheme 2023. Collection method: clinical testing. Allele origin: germline.

Fulgent Genetics
Classification: Uncertain significance for Donnai-Barrow syndrome. Last evaluated: 2024-01-31. Review status: criteria provided, single submitter. Criteria: ACMG Guidelines, 2015. Collection method: clinical testing. Allele origin: germline.

Labcorp Genetics (formerly Invitae), Labcorp
Classification: Uncertain significance. Last evaluated: 2021-09-17. Review status: criteria provided, single submitter. Criteria: Invitae Variant Classification Sherloc (09022015). Collection method: clinical testing. Allele origin: germline.
Comment: This sequence change replaces serine with phenylalanine at codon 4004 of the LRP2 protein (p.Ser4004Phe). The serine residue is highly conserved and there is a large physicochemical difference between serine and phenylalanine. This variant is present in population databases (rs367961184, ExAC 0.003%). This variant has not been reported in the literature in individuals affected with LRP2-related conditions. Advanced modeling of protein sequence and biophysical properties (such as structural, functional, and spatial information, amino acid conservation, physicochemical variation, residue mobility, and thermodynamic stability) performed at Invitae indicates that this missense variant is not expected to disrupt LRP2 protein function. In summary, the available evidence is currently insufficient to determine the role of this variant in disease. Therefore, it has been classified as a Variant of Uncertain Significance.